The following is an entry in ClinVar:

NM_133497.4(KCNV2):c.931G>C (p.Gly311Arg)

Gene: KCNV2 (potassium voltage-gated channel modifier subfamily V member 2; plus strand). Cytogenetic location: 9p24.2.
Variant type: single nucleotide variant.
Coding change: c.931G>C on transcript NM_133497.4 (MANE Select); coding-DNA position 931, G replaced by C.
Protein change: p.Gly311Arg; replaces glycine 311 with arginine.
Molecular consequence: missense variant.
Genome position (GRCh38, 1-based): chr9:2,718,670, G>C. VCF-style: chr9-2718670-G-C. GRCh37 (hg19) VCF-style: chr9-2718670-G-C.
Other names: short protein forms G311R.
Identifiers: ClinVar variation 866032 (VCV000866032.13), dbSNP rs202200956, ClinGen allele CA4965691.

ClinVar aggregate classification (germline): Uncertain significance. Review status: criteria provided, multiple submitters, no conflicts (2 of 4 stars). 2 submissions from 2 submitters: Uncertain significance (2). Last evaluated 2022-03-10.

Allele frequency attached by ClinVar (database versions not stated): gnomAD 0.00001; TOPMed 0.00001.
gnomAD v4.1: 22 of 1,613,260 alleles (0.0014%); highest among the groups gnomAD compares: East Asian, 0.04%; no homozygotes.

Submissions (2):

Labcorp Genetics (formerly Invitae), Labcorp
Classification: Uncertain significance. Last evaluated: 2022-03-10. Review status: criteria provided, single submitter. Criteria: Invitae Variant Classification Sherloc (09022015). Collection method: clinical testing. Allele origin: germline.
Comment: In summary, the available evidence is currently insufficient to determine the role of this variant in disease. Therefore, it has been classified as a Variant of Uncertain Significance. Advanced modeling of protein sequence and biophysical properties (such as structural, functional, and spatial information, amino acid conservation, physicochemical variation, residue mobility, and thermodynamic stability) performed at Invitae indicates that this missense variant is not expected to disrupt KCNV2 protein function. ClinVar contains an entry for this variant (Variation ID: 866032). This missense change has been observed in individual(s) with clinical features of KCNV2-related conditions (PMID: 33309813). This variant is present in population databases (rs202200956, gnomAD 0.01%). This sequence change replaces glycine, which is neutral and non-polar, with arginine, which is basic and polar, at codon 311 of the KCNV2 protein (p.Gly311Arg).

Blueprint Genetics
Classification: Uncertain significance. Last evaluated: 2017-09-08. Review status: criteria provided, single submitter. Criteria: ACMG Guidelines, 2015. Collection method: clinical testing. Allele origin: germline.

Literature cited by the submitters: PubMed 33309813 (cited by Labcorp Genetics (formerly Invitae), Labcorp).